The following is an entry in ClinVar:

NM_001332.4(CTNND2):c.9G>C (p.Ala3=)

Gene: CTNND2 (catenin delta 2; minus strand). Cytogenetic location: 5p15.2.
Variant type: single nucleotide variant.
Coding change: c.9G>C on transcript NM_001332.4 (MANE Select); coding-DNA position 9, G replaced by C.
Protein change: p.Ala3=; no amino-acid change (alanine 3 retained).
Molecular consequence: synonymous variant. On other transcripts: 5 prime UTR variant (1), non-coding transcript variant (1).
Genome position (GRCh38, 1-based): chr5:11,903,845, C>G on the plus strand (G>C on the coding strand, the complement: CTNND2 is on the minus strand). VCF-style: chr5-11903845-C-G. GRCh37 (hg19) VCF-style: chr5-11903957-C-G.
Other names: c.-726G>C (NM_001288717.2).
Identifiers: ClinVar variation 2655300 (VCV002655300.24), dbSNP rs1232627080, ClinGen allele CA443352343.

ClinVar aggregate classification (germline): Likely benign (1 of 4 stars; one submission).

Allele frequency attached by ClinVar (database versions not stated): gnomAD 0.00001.
gnomAD v4.1: 24 of 1,483,800 alleles (0.0016%); highest among the groups gnomAD compares: African/African-American, 0.0029%; no homozygotes.

Submission:

CeGaT Center for Human Genetics Tuebingen
Classification: Likely benign. Last evaluated: 2023-04-01. Review status: criteria provided, single submitter. Criteria: CeGaT Center For Human Genetics Tuebingen Variant Classification Criteria Version 2. Collection method: clinical testing. Allele origin: germline. Affected: yes. Observed: 1 variant allele.
Comment: CTNND2: BP4, BP7